The following is an entry in ClinVar:

ClinVar aggregate classification (germline): Pathogenic (1 of 4 stars; one submission).

Allele frequency attached by ClinVar (database versions not stated): gnomAD exomes below 0.00001 and 0.00001; ExAC 0.00001; gnomAD 0.00002 and 0.00003; TOPMed 0.00003; 1000 Genomes Project 30x 0.00016; 1000 Genomes Project 0.00020.
gnomAD v4.1: 5 of 1,614,068 alleles (0.00031%); highest among the groups gnomAD compares: African/African-American, 0.0067%; no homozygotes.

Submission:

Labcorp Genetics (formerly Invitae), Labcorp
Classification: Pathogenic. Last evaluated: 2021-03-29. Review status: criteria provided, single submitter. Criteria: Invitae Variant Classification Sherloc (09022015). Collection method: clinical testing. Allele origin: germline.
Comment: This variant has not been reported in the literature in individuals with C8B-related conditions. This variant is present in population databases (rs529668782, ExAC 0.01%). This sequence change creates a premature translational stop signal (p.Lys247*) in the C8B gene. It is expected to result in an absent or disrupted protein product. Loss-of-function variants in C8B are known to be pathogenic (PMID: 7594510). For these reasons, this variant has been classified as Pathogenic. Algorithms developed to predict the effect of sequence changes on RNA splicing suggest that this variant may create or strengthen a splice site, but this prediction has not been confirmed by published transcriptional studies.

Literature cited by the submitters: PubMed 7594510.

NM_000066.4(C8B):c.739A>T (p.Lys247Ter)

Gene: C8B (complement C8 beta chain; minus strand). Cytogenetic location: 1p32.2.
Variant type: single nucleotide variant.
Coding change: c.739A>T on transcript NM_000066.4 (MANE Select); coding-DNA position 739, A replaced by T.
Protein change: p.Lys247Ter; replaces lysine 247 with a stop codon.
Molecular consequence: nonsense.
Genome position (GRCh38, 1-based): chr1:56,949,680, T>A on the plus strand (A>T on the coding strand, the complement: C8B is on the minus strand). VCF-style: chr1-56949680-T-A. GRCh37 (hg19) VCF-style: chr1-57415353-T-A.
Other names: c.583A>T, p.Lys195Ter (NM_001278543.2); c.553A>T, p.Lys185Ter (NM_001278544.2); short protein forms K185*, K247*, K195*.
Identifiers: ClinVar variation 1453039 (VCV001453039.6), dbSNP rs529668782, ClinGen allele CA875869.
Genomic context (GRCh38, chr1:56,949,680, plus strand): 5'-CAAGTTCAAATATTCCAGGTATTTTAAAACCAAAACTGAAACCAGACTTGCTTGCCATTT[T>A]CTCTGTGACATTGCGTTCAAAATCTGAGTATGATTCATACTCTTTTAATATGAATTCGTA-3'